The following is an entry in ClinVar:

ClinVar aggregate classification (germline): Likely benign. Review status: criteria provided, multiple submitters, no conflicts (2 of 4 stars). 4 submissions from 4 submitters: Likely benign (4). Last evaluated 2025-12-08.

Conditions:
Cardiovascular phenotype. Identifiers: MedGen CN230736.
Arrhythmogenic cardiomyopathy with wooly hair and keratoderma. Also called: PALMOPLANTAR KERATODERMA WITH LEFT VENTRICULAR CARDIOMYOPATHY AND WOOLLY HAIR; Arrhythmogenic cardiomyopathy with woolly hair and keratoderma; Dilated cardiomyopathy with woolly hair and keratoderma; Carvajal syndrome. Identifiers: Orphanet 65282, MedGen C1854063, MONDO:0011581, OMIM 605676.
Arrhythmogenic right ventricular dysplasia 8 (ARVD8). Also called: ARRHYTHMOGENIC RIGHT VENTRICULAR CARDIOMYOPATHY 8; ARRHYTHMOGENIC RIGHT VENTRICULAR DYSPLASIA, FAMILIAL, 8; Arrhythmogenic Right Ventricular Dysplasia/Cardiomyopathy 8. Identifiers: MedGen C1843896, MONDO:0011831, OMIM 607450.
Cardiomyopathy (CMYO). Also called: Cardiomyopathies. Identifiers: Orphanet 167848, MedGen C0878544, MONDO:0004994, HP:0001638. Inheritance: Various modes of inheritance.

Allele frequency attached by ClinVar (database versions not stated): gnomAD exomes below 0.00001 and 0.00002; ExAC 0.00001; gnomAD 0.00001 and 0.00002; TOPMed 0.00002; ESP Exome Variant Server 0.00008.
gnomAD v4.1: 29 of 1,613,380 alleles (0.0018%); highest among the groups gnomAD compares: South Asian, 0.0066%; no homozygotes.

Submissions (4):

Labcorp Genetics (formerly Invitae), Labcorp
Classification: Likely benign for Arrhythmogenic cardiomyopathy with wooly hair and keratoderma; Arrhythmogenic right ventricular dysplasia 8. Last evaluated: 2025-12-08. Review status: criteria provided, single submitter. Criteria: Invitae Variant Classification Sherloc (09022015). Collection method: clinical testing. Allele origin: germline.

All of Us Research Program, National Institutes of Health
Classification: Likely benign for Arrhythmogenic cardiomyopathy with wooly hair and keratoderma. Last evaluated: 2023-12-18. Review status: criteria provided, single submitter. Criteria: ACMG Guidelines, 2015. Collection method: clinical testing. Allele origin: germline. Inheritance: Autosomal dominant inheritance. Observed: 7 variant alleles, 7 heterozygotes.
Comment: This study involves interpretation of variants in research participants for the purpose of population health screening. Participant phenotype was not available at the time of variant classification. Additional details can be found in publication PMID: 35346344, PMCID: PMC8962531

Color Diagnostics, LLC DBA Color Health
Classification: Likely benign for Cardiomyopathy. Last evaluated: 2022-11-06. Review status: criteria provided, single submitter. Criteria: ACMG Guidelines, 2015. Collection method: clinical testing. Allele origin: germline.

Ambry Genetics
Classification: Likely benign for Cardiovascular phenotype. Last evaluated: 2017-09-15. Review status: criteria provided, single submitter. Criteria: Ambry Variant Classification Scheme 2023. Collection method: clinical testing. Allele origin: germline.

NM_004415.4(DSP):c.2469G>A (p.Ser823=)

Gene: DSP (desmoplakin; plus strand). Cytogenetic location: 6p24.3.
Variant type: single nucleotide variant.
Coding change: c.2469G>A on transcript NM_004415.4 (MANE Select); coding-DNA position 2469, G replaced by A.
Protein change: p.Ser823=; no amino-acid change (serine 823 retained).
Molecular consequence: synonymous variant.
Genome position (GRCh38, 1-based): chr6:7,575,327, G>A. VCF-style: chr6-7575327-G-A. GRCh37 (hg19) VCF-style: chr6-7575560-G-A.
Other names: c.2469G>A (LRG_423t1); c.2469G>A, p.Ser823= (NM_001008844.3, NM_001319034.2).
Identifiers: ClinVar variation 519010 (VCV000519010.16), dbSNP rs368945617, ClinGen allele CA033581.